The following is an entry in ClinVar:

ClinVar aggregate classification (germline): Conflicting classifications of pathogenicity. Review status: criteria provided, conflicting classifications (1 of 4 stars). 4 submissions from 4 submitters: Uncertain significance (3); Likely benign (1). Last evaluated 2026-09-11.

Conditions:
Lymphangiomyomatosis (LAM). Also called: Lymphangioleiomyomatosis; Lymphangioleiomyomatosis, somatic. Identifiers: Orphanet 538, MedGen C0751674, MONDO:0011705, OMIM 606690.
Tuberous sclerosis 1 (TSC1). Identifiers: Orphanet 805, MedGen C1854465, MONDO:0008612, OMIM 191100.
Isolated focal cortical dysplasia type II (FCORD2). Also called: CORTICAL DYSPLASIA OF TAYLOR; Focal cortical dysplasia type II. Identifiers: Orphanet 268994, MedGen C1846385, MONDO:0011818, OMIM 607341, HP:0032051.
Hereditary cancer-predisposing syndrome. Also called: Tumor predisposition; Hereditary Cancer Syndrome; Hereditary neoplastic syndrome; Neoplastic Syndromes, Hereditary. Identifiers: Orphanet 140162, MedGen C0027672, MeSH D009386, MONDO:0015356.
Tuberous sclerosis syndrome (TSC). Also called: Tuberous Sclerosis Complex; Tuberous sclerosis. Identifiers: Orphanet 805, MedGen C0041341, MONDO:0001734.

Allele frequency attached by ClinVar (database versions not stated): gnomAD exomes below 0.00001.
gnomAD v4.1: 2 of 1,613,930 alleles (0.00012%); highest among the groups gnomAD compares: Non-Finnish European, 0.00017%; no homozygotes.

Submissions (4):

Ambry Genetics
Classification: Uncertain significance for Hereditary cancer-predisposing syndrome. Last evaluated: 2026-09-11. Review status: criteria provided, single submitter. Criteria: Ambry Variant Classification Scheme 2023. Collection method: clinical testing. Allele origin: germline.
Comment: The p.I747T variant (also known as c.2240T>C), located in coding exon 16 of the TSC1 gene, results from a T to C substitution at nucleotide position 2240. The isoleucine at codon 747 is replaced by threonine, an amino acid with similar properties. This amino acid position is conserved. In addition, this alteration is predicted to be deleterious by in silico analysis. Based on the available evidence, the clinical significance of this variant remains unclear.

Labcorp Genetics (formerly Invitae), Labcorp
Classification: Likely benign for Tuberous sclerosis 1. Last evaluated: 2024-10-02. Review status: criteria provided, single submitter. Criteria: Invitae Variant Classification Sherloc (09022015). Collection method: clinical testing. Allele origin: germline.

All of Us Research Program, National Institutes of Health
Classification: Uncertain significance for Tuberous sclerosis syndrome. Last evaluated: 2024-02-22. Review status: criteria provided, single submitter. Criteria: ACMG Guidelines, 2015. Collection method: clinical testing. Allele origin: germline. Inheritance: Autosomal dominant inheritance. Observed: 1 variant allele, 1 heterozygote.
Comment: This missense variant replaces isoleucine with threonine at codon 747 of the TSC1 protein. Computational prediction suggests that this variant may have deleterious impact on protein structure and function (internally defined REVEL score threshold >= 0.7, PMID: 27666373). To our knowledge, functional studies have not been reported for this variant. This variant has not been reported in individuals affected with TSC1-related disorders in the literature. This variant has been identified in 1/251324 chromosomes in the general population by the Genome Aggregation Database (gnomAD). The available evidence is insufficient to determine the role of this variant in disease conclusively. Therefore, this variant is classified as a Variant of Uncertain Significance.

This study involves interpretation of variants in research participants for the purpose of population health screening. Participant phenotype was not available at the time of variant classification. Additional details can be found in publication PMID: 35346344, PMCID: PMC8962531

Fulgent Genetics
Classification: Uncertain significance for Tuberous sclerosis 1; Lymphangiomyomatosis; Isolated focal cortical dysplasia type II. Last evaluated: 2024-02-06. Review status: criteria provided, single submitter. Criteria: ACMG Guidelines, 2015. Collection method: clinical testing. Allele origin: germline.

NM_000368.5(TSC1):c.2240T>C (p.Ile747Thr)

Gene: TSC1 (TSC complex subunit 1; minus strand). Cytogenetic location: 9q34.13.
Variant type: single nucleotide variant.
Coding change: c.2240T>C on transcript NM_000368.5 (MANE Select); coding-DNA position 2240, T replaced by C.
Protein change: p.Ile747Thr; replaces isoleucine 747 with threonine.
Molecular consequence: missense variant.
Genome position (GRCh38, 1-based): chr9:132,902,756, A>G on the plus strand (T>C on the coding strand, the complement: TSC1 is on the minus strand). VCF-style: chr9-132902756-A-G. GRCh37 (hg19) VCF-style: chr9-135778143-A-G.
Other names: c.2237T>C, p.Ile746Thr (NM_001162426.2, NM_001406597.1, NM_001406598.1 and 4 more transcripts); c.2087T>C, p.Ile696Thr (NM_001162427.2, NM_001406610.1); c.1877T>C, p.Ile626Thr (NM_001362177.2, NM_001406619.1, NM_001406624.1 and 5 more transcripts); c.2240T>C, p.Ile747Thr (NM_001406592.1, NM_001406593.1, NM_001406594.1 and 5 more transcripts); c.2225T>C, p.Ile742Thr (NM_001406601.1, NM_001406602.1); c.2222T>C, p.Ile741Thr (NM_001406603.1, NM_001406604.1); c.1874T>C, p.Ile625Thr (NM_001406620.1, NM_001406621.1, NM_001406622.1 and 2 more transcripts); c.1289T>C, p.Ile430Thr (NM_001406626.1); and 3 more; short protein forms I696T, I742T, I746T, I430T, I429T, I625T, I396T, I626T.
Identifiers: ClinVar variation 2118384 (VCV002118384.8), dbSNP rs1392095786, ClinGen allele CA375359967.